The following is an entry in ClinVar:

NM_004380.3(CREBBP):c.5843C>T (p.Pro1948Leu)

Gene: CREBBP (CREB binding lysine acetyltransferase; minus strand). Cytogenetic location: 16p13.3.
Variant type: single nucleotide variant.
Coding change: c.5843C>T on transcript NM_004380.3 (MANE Select); coding-DNA position 5843, C replaced by T.
Protein change: p.Pro1948Leu; replaces proline 1948 with leucine.
Molecular consequence: missense variant.
Genome position (GRCh38, 1-based): chr16:3,729,204, G>A on the plus strand (C>T on the coding strand, the complement: CREBBP is on the minus strand). VCF-style: chr16-3729204-G-A. GRCh37 (hg19) VCF-style: chr16-3779205-G-A.
Other names: c.5729C>T, p.Pro1910Leu (NM_001079846.1); short protein forms P1948L, P1910L.
Identifiers: ClinVar variation 196699 (VCV000196699.17), dbSNP rs557611780, ClinGen allele CA243767.

ClinVar aggregate classification (germline): Conflicting classifications of pathogenicity. Review status: criteria provided, conflicting classifications (1 of 4 stars). 7 submissions from 7 submitters: Uncertain significance (4); Benign (1); Likely benign (1). 1 of the submissions does not count toward it. Last evaluated 2024-08-13.

Conditions:
Rubinstein-Taybi syndrome due to CREBBP mutations (RSTS1). Also called: Rubinstein-Taybi syndrome 1; RUBINSTEIN-TAYBI SYNDROME 1, INCOMPLETE; BROAD THUMB-HALLUX SYNDROME; CREBBP-Related Rubinstein-Taybi Syndrome; BROAD THUMBS AND GREAT TOES, CHARACTERISTIC FACIES, AND IMPAIRED INTELLECTUAL DEVELOPMENT; RUBINSTEIN SYNDROME. Identifiers: Orphanet 353277, Orphanet 783, MedGen C4551859, MONDO:0008393, OMIM 180849.
Menke-Hennekam syndrome 1 (MKHK1). Identifiers: MedGen C5193034, MONDO:0020763, OMIM 618332.
CREBBP-related disorder. Also called: CREBBP-related condition; CREBBP-related disorders.
Rubinstein-Taybi syndrome (RSTS). Identifiers: Orphanet 783, MedGen C0035934, MONDO:0019188.

Allele frequency attached by ClinVar (database versions not stated): TOPMed 0.00004; 1000 Genomes Project 0.00020; gnomAD 0.00001; gnomAD exomes 0.00001.
gnomAD v4.1: 20 of 1,530,232 alleles (0.0013%); highest among the groups gnomAD compares: African/African-American, 0.0082%; no homozygotes.

Submissions (7):

Blueprint Genetics
Classification: Likely benign. Last evaluated: 2024-08-13. Review status: criteria provided, single submitter. Criteria: ACMG Guidelines, 2015. Collection method: clinical testing. Allele origin: germline.

GeneDx
Classification: Uncertain significance. Last evaluated: 2024-02-12. Review status: criteria provided, single submitter. Criteria: GeneDx Variant Classification Process June 2021. Collection method: clinical testing. Allele origin: germline. Affected: yes.
Comment: In silico analysis supports that this missense variant has a deleterious effect on protein structure/function; Has not been previously published as pathogenic or benign to our knowledge

Fulgent Genetics
Classification: Uncertain significance for Rubinstein-Taybi syndrome due to CREBBP mutations; Menke-Hennekam syndrome 1. Last evaluated: 2023-12-29. Review status: criteria provided, single submitter. Criteria: ACMG Guidelines, 2015. Collection method: clinical testing. Allele origin: germline.

Labcorp Genetics (formerly Invitae), Labcorp
Classification: Benign for Rubinstein-Taybi syndrome. Last evaluated: 2023-07-19. Review status: criteria provided, single submitter. Criteria: Invitae Variant Classification Sherloc (09022015). Collection method: clinical testing. Allele origin: germline.

New York Genome Center
Classification: Uncertain significance for Rubinstein-Taybi syndrome due to CREBBP mutations. Last evaluated: 2021-12-22. Review status: criteria provided, single submitter. Criteria: NYGC Assertion Criteria 2020. Collection method: clinical testing. Allele origin: inherited. Observed: 1 heterozygote. Study: CSER-NYCKidSeq.

Eurofins Ntd Llc (ga)
Classification: Uncertain significance. Last evaluated: 2015-05-04. Review status: criteria provided, single submitter. Criteria: EGL Classification Definitions 2015. Collection method: clinical testing. Allele origin: germline. Observed: 1 variant allele, 1 heterozygote.

PreventionGenetics, part of Exact Sciences
Classification: Uncertain significance for CREBBP-related condition. Last evaluated: 2024-03-22. Review status: no assertion criteria provided. Collection method: clinical testing. Allele origin: germline. Not counted in ClinVar's aggregate classification.
Comment: The CREBBP c.5843C>T variant is predicted to result in the amino acid substitution p.Pro1948Leu. This variant has been reported in an individual with thoracic ossification of the ligamentum flavum (TOLF); however, there were several other novel variants in different genes that were also reported for this patient (Qu et al. 2017. PubMed ID: 28145426). This variant is reported in 0.0040% of alleles in individuals of Latino descent in gnomAD. At this time, the clinical significance of this variant is uncertain due to the absence of conclusive functional and genetic evidence.